The following is an entry in ClinVar:

NM_001387283.1(SMARCA4):c.4189_4190del (p.Ile1397fs)

Gene: SMARCA4 (SWI/SNF related BAF chromatin remodeling complex subunit ATPase 4; plus strand). Cytogenetic location: 19p13.2.
Variant type: Microsatellite.
Coding change: c.4189_4190del on transcript NM_001387283.1 (MANE Plus Clinical); coding-DNA positions 4189 to 4190, 2 bases deleted (AT; older notation c.4189_4190delAT).
Protein change: p.Ile1397fs; shifts the reading frame from isoleucine 1397.
Molecular consequence: frameshift variant. On other transcripts: intron variant (7).
Genome position (GRCh38, 1-based): chr19:11,039,476-11,039,477, AT deleted; deleting any 2 consecutive bases within chr19:11,039,474-11,039,477 gives the same sequence; the c. name uses the placement nearest the transcript's 3' end. VCF-style (leftmost placement, unchanged base first): chr19-11039473-GAT-G. GRCh37 (hg19) VCF-style: chr19-11150149-GAT-G.
Other names: c.4189_4190del, p.Ile1397fs (NM_001128849.3); c.4090_4091del, p.Ile1364fs (NM_001411150.1); c.4171-1831_4171-1830del (NM_001128844.3, NM_003072.5); c.4072-1831_4072-1830del (NM_001128847.4, NM_001374457.1, NM_001128848.2); c.4072-1822_4072-1821del (NM_001128845.2, NM_001128846.2); short protein forms I1397fs, I1364fs.
Identifiers: ClinVar variation 2805957 (VCV002805957.3), dbSNP rs2515441404, ClinGen allele CA2582465499.
Genomic context (GRCh38, chr19:11,039,473, plus strand): 5'-TTGTGCACTGAAACACTAAACAGACATTAAAAAATTTTGTTGTAGAAAATTACAGGAAAA[GAT>G]ATCCATGACACAGCCAGCAGTGTGGCACGTGGGCTACAATTCCAGCGTGGCCTTCAGTTC-3'

ClinVar aggregate classification (germline): Uncertain significance (1 of 4 stars; one submission).

Conditions:
Rhabdoid tumor predisposition syndrome 2 (RTPS2). Identifiers: Orphanet 231108, Orphanet 69077, MedGen C2750074, MONDO:0013224, OMIM 613325.

Submission:

Labcorp Genetics (formerly Invitae), Labcorp
Classification: Uncertain significance for Rhabdoid tumor predisposition syndrome 2. Last evaluated: 2023-11-30. Review status: criteria provided, single submitter. Criteria: Invitae Variant Classification Sherloc (09022015). Collection method: clinical testing. Allele origin: germline.
Comment: This sequence change creates a premature translational stop signal (p.Ile1397Profs*2) in the SMARCA4 gene. Loss-of-function variants in SMARCA4 are known to be pathogenic (PMID: 24658001, 24658002). However, tissue-specific alternative splicing of SMARCA4 gene results in functional isoforms lacking in-frame exon 30 (also known as exon 28B, PMID: 18437052). For this reason the clinical significance of loss of function variants in exon 30 is currently uncertain. This variant is not present in population databases (gnomAD no frequency). This variant has not been reported in the literature in individuals affected with SMARCA4-related conditions. In summary, the available evidence is currently insufficient to determine the role of this variant in disease. Therefore, it has been classified as a Variant of Uncertain Significance.

Literature cited by the submitters: PubMed 24658001; PubMed 24658002.